The following is an entry in ClinVar:

NM_007294.4(BRCA1):c.4933A>C (p.Arg1645=)

Gene: BRCA1 (BRCA1 DNA repair associated; minus strand). Cytogenetic location: 17q21.31.
Variant type: single nucleotide variant.
Coding change: c.4933A>C on transcript NM_007294.4 (MANE Select); coding-DNA position 4933, A replaced by C.
Protein change: p.Arg1645=; no amino-acid change (arginine 1645 retained).
Molecular consequence: synonymous variant. On other transcripts: intron variant (1).
Genome position (GRCh38, 1-based): chr17:43,070,981, T>G on the plus strand (A>C on the coding strand, the complement: BRCA1 is on the minus strand). VCF-style: chr17-43070981-T-G. GRCh37 (hg19) VCF-style: chr17-41222998-T-G.
Other names: c.4933A>C, p.Arg1645= (NM_001407605.1, NM_001407652.1, NM_001407684.1 and 8 more transcripts); c.4930A>C, p.Arg1644= (NM_001407610.1, NM_001407611.1, NM_001407612.1 and 17 more transcripts); c.4927A>C, p.Arg1643= (NM_001407627.1, NM_001407628.1, NM_001407629.1 and 14 more transcripts); c.4924A>C, p.Arg1642= (NM_001407644.1, NM_001407645.1); c.4921A>C, p.Arg1641= (NM_001407646.1); c.4918A>C, p.Arg1640= (NM_001407647.1); c.4876A>C, p.Arg1626= (NM_001407648.1); c.4873A>C, p.Arg1625= (NM_001407649.1); and 71 more.
Identifiers: ClinVar variation 868423 (VCV000868423.3), dbSNP rs80356926, ClinGen allele CA500231628.

Conditions:
Breast-ovarian cancer, familial, susceptibility to, 1 (BROVCA1). Also called: BRCA1 Hereditary Breast and Ovarian Cancer; OVARIAN CANCER, SUSCEPTIBILITY TO. Identifiers: Orphanet 145, MedGen C2676676, MONDO:0011450, OMIM 604370. Disease mechanism: loss of function.

Submission:

Brotman Baty Institute, University of Washington
No classification provided (evidence only). Condition: Breast-ovarian cancer, familial 1. Review status: no classification provided. Collection method: in vitro. Allele origin: not applicable. Functional consequence: functionally_normal.
ClinVar note: "not provided" was previously submitted as the classification for the variant. However, the classification appeared to be based only on an observation of functional data so it was converted to no classification on 2025-07-30.